The following is an entry in ClinVar:

NM_001540.5(HSPB1):c.428+5G>C

Gene: HSPB1 (heat shock protein family B (small) member 1; plus strand). Cytogenetic location: 7q11.23.
Variant type: single nucleotide variant.
Coding change: c.428+5G>C on transcript NM_001540.5 (MANE Select); 5 bases into the intron after coding-DNA position 428, G replaced by C.
Molecular consequence: intron variant.
Genome position (GRCh38, 1-based): chr7:76,303,870, G>C. VCF-style: chr7-76303870-G-C. GRCh37 (hg19) VCF-style: chr7-75933187-G-C.
Identifiers: ClinVar variation 847487 (VCV000847487.7), dbSNP rs1169656002, ClinGen allele CA575786664.

ClinVar aggregate classification (germline): Uncertain significance (1 of 4 stars; one submission).

Conditions:
Charcot-Marie-Tooth disease axonal type 2F (CMT2F). Also called: Charcot-Marie-Tooth Neuropathy Type 2F; CHARCOT-MARIE-TOOTH DISEASE, NEURONAL, TYPE 2F. Identifiers: Orphanet 99940, MedGen C1847823, MONDO:0011687, OMIM 606595.

Allele frequency attached by ClinVar (database versions not stated): TOPMed 0.00001.
gnomAD v4.1: 5 of 1,604,106 alleles (0.00031%); highest among the groups gnomAD compares: Middle Eastern, 0.039%; no homozygotes.

Submission:

Labcorp Genetics (formerly Invitae), Labcorp
Classification: Uncertain significance for Charcot-Marie-Tooth disease axonal type 2F. Last evaluated: 2019-04-08. Review status: criteria provided, single submitter. Criteria: Invitae Variant Classification Sherloc (09022015). Collection method: clinical testing. Allele origin: germline.
Comment: Nucleotide substitutions within the consensus splice site are a relatively common cause of aberrant splicing (PMID: 17576681, 9536098). Algorithms developed to predict the effect of sequence changes on RNA splicing suggest that this variant may disrupt the consensus splice site, but this prediction has not been confirmed by published transcriptional studies. In summary, the available evidence is currently insufficient to determine the role of this variant in disease. Therefore, it has been classified as a Variant of Uncertain Significance. This variant has not been reported in the literature in individuals with HSPB1-related conditions. This variant is not present in population databases (ExAC no frequency). This sequence change falls in intron 2 of the HSPB1 gene. It does not directly change the encoded amino acid sequence of the HSPB1 protein, but it affects a nucleotide within the consensus splice site of the intron.

Literature cited by the submitters: PubMed 17576681; PubMed 9536098.